The following is an entry in ClinVar:

GRCh38/hg38 9p21.3(chr9:21260106-21468754)x1

Genes: IFNA5 (interferon alpha 5; minus strand), IFNA6 (interferon alpha 6; minus strand), IFNA8 (interferon alpha 8; plus strand), KLHL9 (kelch like family member 9; minus strand), IFNA13 (interferon alpha 13; minus strand) and 9 more. Cytogenetic location: 9p21.3.
Variant type: copy number loss.
Change: copy number 1 (one copy instead of two) of chr9:21,260,106-21,468,754 (208.6 kb, GRCh38 coordinates, 1-based), cytogenetic band 9p21.3.
Identifiers: ClinVar variation 3571452 (VCV003571452.1).

ClinVar aggregate classification (germline): Uncertain significance (1 of 4 stars; one submission).

Conditions:
Hereditary spastic paraplegia. Also called: Familial spastic paraparesis. Identifiers: Orphanet 685, MedGen C0037773, MONDO:0019064. Disease mechanism: loss of function.

Submission:

Broad Center for Mendelian Genomics, Broad Institute of MIT and Harvard
Classification: Uncertain significance for Hereditary spastic paraplegia. Last evaluated: 2024-12-12. Review status: criteria provided, single submitter. Criteria: ACMG/ClinGen CNV Guidelines, 2019. Collection method: research. Allele origin: de novo. Inheritance: Autosomal dominant inheritance. Affected: yes. Study: GREGoR Consortium.
Comment: This deletion encompasses 7 genes that have yet to be established as haploinsufficient. Given the limited information about this region, the significance of the deletion variant is uncertain. If you have any additional information about functional evidence or other individuals with this phenotype that also have similar deletion we encourage you to reach out to us.